The following is an entry in ClinVar:

NM_001145358.2(SIN3A):c.682T>G (p.Ser228Ala)

Gene: SIN3A (SIN3 transcription regulator family member A; minus strand). Cytogenetic location: 15q24.2.
Variant type: single nucleotide variant.
Coding change: c.682T>G on transcript NM_001145358.2 (MANE Select); coding-DNA position 682, T replaced by G.
Protein change: p.Ser228Ala; replaces serine 228 with alanine.
Molecular consequence: missense variant.
Genome position (GRCh38, 1-based): chr15:75,412,837, A>C on the plus strand (T>G on the coding strand, the complement: SIN3A is on the minus strand). VCF-style: chr15-75412837-A-C. GRCh37 (hg19) VCF-style: chr15-75705178-A-C.
Other names: c.682T>G, p.Ser228Ala (NM_001145357.2, NM_015477.3); c.682T>G (NM_001145358.1); short protein forms S228A.
Identifiers: ClinVar variation 3621005 (VCV003621005.3).

ClinVar aggregate classification (germline): Uncertain significance. Review status: criteria provided, multiple submitters, no conflicts (2 of 4 stars). 2 submissions from 2 submitters: Uncertain significance (2). Last evaluated 2025-02-26.

Conditions:
Inborn genetic diseases. Identifiers: MedGen C0950123, MeSH D030342.

Submissions (2):

Ambry Genetics
Classification: Uncertain significance for Inborn genetic diseases. Last evaluated: 2025-02-26. Review status: criteria provided, single submitter. Criteria: Ambry Variant Classification Scheme 2023. Collection method: clinical testing. Allele origin: germline.

Labcorp Genetics (formerly Invitae), Labcorp
Classification: Uncertain significance. Last evaluated: 2024-04-02. Review status: criteria provided, single submitter. Criteria: Invitae Variant Classification Sherloc (09022015). Collection method: clinical testing. Allele origin: germline.
Comment: This sequence change replaces serine, which is neutral and polar, with alanine, which is neutral and non-polar, at codon 228 of the SIN3A protein (p.Ser228Ala). This variant is present in population databases (no rsID available, gnomAD 0.0009%). This variant has not been reported in the literature in individuals affected with SIN3A-related conditions. An algorithm developed to predict the effect of missense changes on protein structure and function (PolyPhen-2) suggests that this variant is likely to be tolerated. In summary, the available evidence is currently insufficient to determine the role of this variant in disease. Therefore, it has been classified as a Variant of Uncertain Significance.